The following is an entry in ClinVar:

NM_020338.4(ZMIZ1):c.3133T>A (p.Ser1045Thr)

Gene: ZMIZ1 (zinc finger MIZ-type containing 1; plus strand). Cytogenetic location: 10q22.3.
Variant type: single nucleotide variant.
Coding change: c.3133T>A on transcript NM_020338.4 (MANE Select); coding-DNA position 3133, T replaced by A.
Protein change: p.Ser1045Thr; replaces serine 1045 with threonine.
Molecular consequence: missense variant.
Genome position (GRCh38, 1-based): chr10:79,312,678, T>A. VCF-style: chr10-79312678-T-A. GRCh37 (hg19) VCF-style: chr10-81072435-T-A.
Other names: short protein forms S1045T.
Identifiers: ClinVar variation 1683901 (VCV001683901.2), dbSNP rs2132117591, ClinGen allele CA377345761.
Genomic context (GRCh38, chr10:79,312,678, plus strand): 5'-ACTTCATTACTCCTTCTTTTCCAGCTCCTTCCCGAACTCACAAATCCTGACGAGCTCCTG[T>A]CTTATCTGGACCCCCCCGACCTGCCGAGCAATAGTAACGATGACCTCCTGTCTCTATTTG-3'
Protein context (NP_065071.1, residues 1035-1055): PELTNPDELL[Ser1045Thr]YLDPPDLPSN

ClinVar aggregate classification (germline): Uncertain significance (1 of 4 stars; one submission).

Submission:

GeneDx
Classification: Uncertain significance. Last evaluated: 2021-10-29. Review status: criteria provided, single submitter. Criteria: GeneDx Variant Classification Process June 2021. Collection method: clinical testing. Allele origin: germline. Affected: yes.
Comment: Not observed at significant frequency in large population cohorts (gnomAD); In silico analysis supports that this missense variant has a deleterious effect on protein structure/function; Has not been previously published as pathogenic or benign to our knowledge